The following is an entry in ClinVar:

NM_018834.6(MATR3):c.561T>G (p.Asp187Glu)

Gene: MATR3 (matrin 3; plus strand). Cytogenetic location: 5q31.2.
Variant type: single nucleotide variant.
Coding change: c.561T>G on transcript NM_018834.6 (MANE Select); coding-DNA position 561, T replaced by G.
Protein change: p.Asp187Glu; replaces aspartic acid 187 with glutamic acid.
Molecular consequence: missense variant. On other transcripts: intron variant (2).
Genome position (GRCh38, 1-based): chr5:139,307,976, T>G. VCF-style: chr5-139307976-T-G. GRCh37 (hg19) VCF-style: chr5-138643665-T-G.
Other names: p.Asp187Glu; c.561T>G, p.Asp187Glu (NM_001194954.2, NM_001194955.2, NM_199189.3); c.-102-6699T>G (NM_001282278.2); c.49-6699T>G (NM_001194956.2); short protein forms D187E.
Identifiers: ClinVar variation 658267 (VCV000658267.13), dbSNP rs374819399, ClinGen allele CA3432916.

ClinVar aggregate classification (germline): Uncertain significance. Review status: criteria provided, multiple submitters, no conflicts (2 of 4 stars). 4 submissions from 4 submitters: Uncertain significance (4). Last evaluated 2026-01-19.

Conditions:
MATR3-related disorder. Also called: MATR3-related condition.
Amyotrophic lateral sclerosis type 21. Also called: MYOPATHY, DISTAL, 2; VOCAL CORD AND PHARYNGEAL DYSFUNCTION WITH DISTAL MYOPATHY. Identifiers: Orphanet 600, Orphanet 803, MedGen C3807521, MONDO:0011632, OMIM 606070.

Allele frequency attached by ClinVar (database versions not stated): ExAC 0.00003; gnomAD 0.00003 and 0.00004; gnomAD exomes 0.00004; TOPMed 0.00006; ESP Exome Variant Server 0.00008.
gnomAD v4.1: 72 of 1,614,026 alleles (0.0045%); highest among the groups gnomAD compares: Non-Finnish European, 0.0049%; no homozygotes.

Submissions (4):

Labcorp Genetics (formerly Invitae), Labcorp
Classification: Uncertain significance for Amyotrophic lateral sclerosis type 21. Last evaluated: 2026-01-19. Review status: criteria provided, single submitter. Criteria: Invitae Variant Classification Sherloc (09022015). Collection method: clinical testing. Allele origin: germline.
Comment: This sequence change replaces aspartic acid, which is acidic and polar, with glutamic acid, which is acidic and polar, at codon 187 of the MATR3 protein (p.Asp187Glu). This variant is present in population databases (rs374819399, gnomAD 0.01%). This variant has not been reported in the literature in individuals affected with MATR3-related conditions. ClinVar contains an entry for this variant (Variation ID: 658267). Invitae Evidence Modeling of protein sequence and biophysical properties (such as structural, functional, and spatial information, amino acid conservation, physicochemical variation, residue mobility, and thermodynamic stability) indicates that this missense variant is not expected to disrupt MATR3 protein function with a negative predictive value of 80%. In summary, the available evidence is currently insufficient to determine the role of this variant in disease. Therefore, it has been classified as a Variant of Uncertain Significance.

PreventionGenetics, part of Exact Sciences
Classification: Uncertain significance for MATR3-related condition. Last evaluated: 2025-12-18. Review status: criteria provided, single submitter. Criteria: ACMG Guidelines, 2015. Collection method: clinical testing. Allele origin: germline.
Comment: The MATR3 c.561T>G variant is predicted to result in the amino acid substitution p.Asp187Glu. To our knowledge, this variant has not been reported in the literature. This variant is reported in 0.012% of alleles in individuals of European (Finnish) descent in gnomAD. Although we suspect that this variant may be benign, at this time, the clinical significance of this variant is uncertain due to the absence of conclusive functional and genetic evidence.

Mayo Clinic Laboratories, Mayo Clinic
Classification: Uncertain significance. Last evaluated: 2025-06-17. Review status: criteria provided, single submitter. Criteria: ACMG Guidelines, 2015. Collection method: clinical testing. Allele origin: germline. Observed: 1 variant allele.
Comment: BS2

Revvity Omics, Revvity
Classification: Uncertain significance for Amyotrophic lateral sclerosis type 21. Last evaluated: 2019-11-18. Review status: criteria provided, single submitter. Criteria: ACMG Guidelines, 2015. Collection method: clinical testing. Allele origin: germline.

Literature cited by the submitters: PubMed 38891112 (cited by Mayo Clinic Laboratories, Mayo Clinic).